The following is an entry in ClinVar:

NM_001606.5(ABCA2):c.5517G>A (p.Ala1839=)

Gene: ABCA2 (ATP binding cassette subfamily A member 2; minus strand). Cytogenetic location: 9q34.3.
Variant type: single nucleotide variant.
Coding change: c.5517G>A on transcript NM_001606.5 (MANE Select); coding-DNA position 5517, G replaced by A.
Protein change: p.Ala1839=; no amino-acid change (alanine 1839 retained).
Molecular consequence: synonymous variant.
Genome position (GRCh38, 1-based): chr9:137,011,862, C>T on the plus strand (G>A on the coding strand, the complement: ABCA2 is on the minus strand). VCF-style: chr9-137011862-C-T. GRCh37 (hg19) VCF-style: chr9-139906314-C-T.
Other names: c.5514G>A, p.Ala1838= (NM_001411042.1); c.5607G>A, p.Ala1869= (NM_212533.3).
Identifiers: ClinVar variation 3042485 (VCV003042485.3), dbSNP rs201546385, ClinGen allele CA5353979.

ClinVar aggregate classification (germline): Likely benign. Review status: criteria provided, single submitter (1 of 4 stars). 2 submissions from 2 submitters: Likely benign (1). 1 of the submissions does not count toward it. Last evaluated 2024-11-21.

Conditions:
ABCA2-related disorder. Also called: ABCA2-related condition.

Allele frequency attached by ClinVar (database versions not stated): 1000 Genomes Project 30x 0.00016; 1000 Genomes Project 0.00020; TOPMed 0.00040; gnomAD 0.00048; ESP Exome Variant Server 0.00054; gnomAD exomes 0.00059; ExAC 0.00071.
gnomAD v4.1: 918 of 1,599,138 alleles (0.057%); highest among the groups gnomAD compares: Non-Finnish European, 0.068%; 2 homozygotes.

Submissions (2):

Blueprint Genetics
Classification: Likely benign. Last evaluated: 2024-11-21. Review status: criteria provided, single submitter. Criteria: ACMG Guidelines, 2015. Collection method: clinical testing. Allele origin: germline.

PreventionGenetics, part of Exact Sciences
Classification: Likely benign for ABCA2-related condition. Last evaluated: 2019-06-25. Review status: no assertion criteria provided. Collection method: clinical testing. Allele origin: germline. Not counted in ClinVar's aggregate classification.
Comment: This variant is classified as likely benign based on ACMG/AMP sequence variant interpretation guidelines (Richards et al. 2015 PMID: 25741868, with internal and published modifications).